The following is an entry in ClinVar:

ClinVar aggregate classification (germline): Likely benign (0 of 4 stars; one submission).

Conditions:
PRR12-related disorder. Also called: PRR12-related condition.

Submission:

PreventionGenetics, part of Exact Sciences
Classification: Likely benign for PRR12-related condition. Last evaluated: 2019-06-12. Review status: no assertion criteria provided. Collection method: clinical testing. Allele origin: germline.
Comment: This variant is classified as likely benign based on ACMG/AMP sequence variant interpretation guidelines (Richards et al. 2015 PMID: 25741868, with internal and published modifications).

NM_020719.3(PRR12):c.-3T>G

Genes: PRR12 (proline rich 12; plus strand), LOC130064931 (ATAC-STARR-seq lymphoblastoid silent region 10924; plus strand). Cytogenetic location: 19q13.33.
Variant type: single nucleotide variant.
Coding change: c.-3T>G on transcript NM_020719.3 (MANE Select); 3 bases upstream of the start codon, T replaced by G.
Molecular consequence: 5 prime UTR variant.
Genome position (GRCh38, 1-based): chr19:49,591,652, T>G. VCF-style: chr19-49591652-T-G. GRCh37 (hg19) VCF-style: chr19-50094909-T-G.
Identifiers: ClinVar variation 3038571 (VCV003038571.2), dbSNP rs2122274451, ClinGen allele CA996720670.